The following is an entry in ClinVar:

ClinVar aggregate classification (germline): Uncertain significance (1 of 4 stars; one submission).

Submission:

Women's Health and Genetics/Laboratory Corporation of America, LabCorp
Classification: Uncertain significance. Last evaluated: 2025-05-20. Review status: criteria provided, single submitter. Criteria: LabCorp Variant Classification Summary - May 2015. Collection method: clinical testing. Allele origin: germline.
Comment: Variant summary: HBB c.347C>T (p.Ala116Val) results in a non-conservative amino acid change in the encoded protein sequence. Algorithms developed to predict the effect of missense changes on protein structure and function all suggest that this variant is likely to be disruptive. The variant was absent in 251276 control chromosomes. The available data on variant occurrences in the general population are insufficient to allow any conclusion about variant significance. c.347C>T has been observed in the heterozygous state in an individual affected with mild hypochromia and microcytosis (Manconi_2010). These report(s) do not provide unequivocal conclusions about association of the variant with Beta Thalassemia. At least one publication reports experimental evidence that this variant results in increased oxygen affinity (Manconi_2010). Different variants affecting the same codon have been classified as pathogenic by our lab in association with autosomal dominant Beta thalassemia (c.347C>A(p.Ala116Asp) & c.346G>C (p.ALa116Pro)), supporting the critical relevance of codon 116 to HBB protein function. This variant is also known as Hb Roma. The following publication have been ascertained in the context of this evaluation (PMID: 19900509). No submitters have cited clinical-significance assessments for this variant to ClinVar. Based on the evidence outlined above, the variant was classified as VUS-possibly pathogenic.

Literature cited by the submitters: PubMed 19900509.

NM_000518.5(HBB):c.347C>T (p.Ala116Val)

Genes: HBB (hemoglobin subunit beta; minus strand), LOC107133510 (origin of replication at HBB; plus strand), LOC110006319 (beta-globin gene 3' regulatory region; plus strand). Cytogenetic location: 11p15.4.
Variant type: single nucleotide variant.
Coding change: c.347C>T on transcript NM_000518.5 (MANE Select); coding-DNA position 347, C replaced by T.
Protein change: p.Ala116Val; replaces alanine 116 with valine.
Molecular consequence: missense variant.
Genome position (GRCh38, 1-based): chr11:5,225,695, G>A on the plus strand (C>T on the coding strand, the complement: HBB is on the minus strand). VCF-style: chr11-5225695-G-A. GRCh37 (hg19) VCF-style: chr11-5246925-G-A.
Other names: short protein forms A116V.
Identifiers: ClinVar variation 3902791 (VCV003902791.1).